The following is an entry in ClinVar:

ClinVar aggregate classification (germline): Uncertain significance. Review status: criteria provided, multiple submitters, no conflicts (2 of 4 stars). 3 submissions from 3 submitters: Uncertain significance (3). Last evaluated 2024-11-27.

Allele frequency attached by ClinVar (database versions not stated): gnomAD 0.00003; gnomAD exomes 0.00003 and 0.00004; ExAC 0.00005; TOPMed 0.00005; ESP Exome Variant Server 0.00015.
gnomAD v4.1: 53 of 1,613,702 alleles (0.0033%); highest among the groups gnomAD compares: South Asian, 0.016%; no homozygotes.

Submissions (3):

Ambry Genetics
Classification: Uncertain significance. Last evaluated: 2024-11-27. Review status: criteria provided, single submitter. Criteria: Ambry Variant Classification Scheme 2023. Collection method: clinical testing. Allele origin: germline.

Blueprint Genetics
Classification: Uncertain significance. Last evaluated: 2024-10-17. Review status: criteria provided, single submitter. Criteria: ACMG Guidelines, 2015. Collection method: clinical testing. Allele origin: germline.

Labcorp Genetics (formerly Invitae), Labcorp
Classification: Uncertain significance. Last evaluated: 2021-08-22. Review status: criteria provided, single submitter. Criteria: Invitae Variant Classification Sherloc (09022015). Collection method: clinical testing. Allele origin: germline.
Comment: This sequence change replaces arginine with glutamine at codon 359 of the KIF1BP protein (p.Arg359Gln). The arginine residue is highly conserved and there is a small physicochemical difference between arginine and glutamine. This variant is present in population databases (rs371267544, ExAC 0.01%). This variant has not been reported in the literature in individuals affected with KIF1BP-related conditions. Algorithms developed to predict the effect of missense changes on protein structure and function (SIFT, PolyPhen-2, Align-GVGD) all suggest that this variant is likely to be disruptive. In summary, the available evidence is currently insufficient to determine the role of this variant in disease. Therefore, it has been classified as a Variant of Uncertain Significance.

NM_015634.4(KIFBP):c.1076G>A (p.Arg359Gln)

Gene: KIFBP (kinesin family binding protein; plus strand). Cytogenetic location: 10q22.1.
Variant type: single nucleotide variant.
Coding change: c.1076G>A on transcript NM_015634.4 (MANE Select); coding-DNA position 1076, G replaced by A.
Protein change: p.Arg359Gln; replaces arginine 359 with glutamine.
Molecular consequence: missense variant.
Genome position (GRCh38, 1-based): chr10:69,015,626, G>A. VCF-style: chr10-69015626-G-A. GRCh37 (hg19) VCF-style: chr10-70775382-G-A.
Other names: c.1076G>A (NM_015634.3); short protein forms R359Q.
Identifiers: ClinVar variation 1681419 (VCV001681419.6), dbSNP rs371267544, ClinGen allele CA5529848.